The following is an entry in ClinVar:

ClinVar aggregate classification (germline): Uncertain significance (1 of 4 stars; one submission).

Conditions:
BAP1-related tumor predisposition syndrome (TPDS1). Also called: BAP1 tumor predisposition syndrome; COMMON Syndrome; TUMOR PREDISPOSITION SYNDROME 1; Tumor susceptibility linked to germline BAP1 mutations. Identifiers: Orphanet 289539, MedGen C3280492, MONDO:0013692, OMIM 614327.

Submission:

Labcorp Genetics (formerly Invitae), Labcorp
Classification: Uncertain significance for BAP1-related tumor predisposition syndrome. Last evaluated: 2021-02-15. Review status: criteria provided, single submitter. Criteria: Invitae Variant Classification Sherloc (09022015). Collection method: clinical testing. Allele origin: germline.
Comment: In summary, the available evidence is currently insufficient to determine the role of this variant in disease. Therefore, it has been classified as a Variant of Uncertain Significance. Algorithms developed to predict the effect of missense changes on protein structure and function are either unavailable or do not agree on the potential impact of this missense change (SIFT: "Deleterious"; PolyPhen-2: "Possibly Damaging"; Align-GVGD: "Class C0"). This variant has not been reported in the literature in individuals with BAP1-related conditions. This variant is not present in population databases (ExAC no frequency). This sequence change replaces proline with arginine at codon 135 of the BAP1 protein (p.Pro135Arg). The proline residue is highly conserved and there is a moderate physicochemical difference between proline and arginine.

NM_004656.4(BAP1):c.404C>G (p.Pro135Arg)

Gene: BAP1 (BRCA1 associated deubiquitinase 1; minus strand). Cytogenetic location: 3p21.1.
Variant type: single nucleotide variant.
Coding change: c.404C>G on transcript NM_004656.4 (MANE Select); coding-DNA position 404, C replaced by G.
Protein change: p.Pro135Arg; replaces proline 135 with arginine.
Molecular consequence: missense variant.
Genome position (GRCh38, 1-based): chr3:52,407,432, G>C on the plus strand (C>G on the coding strand, the complement: BAP1 is on the minus strand). VCF-style: chr3-52407432-G-C. GRCh37 (hg19) VCF-style: chr3-52441448-G-C.
Other names: short protein forms P135R.
Identifiers: ClinVar variation 1402497 (VCV001402497.8), dbSNP rs374928824, ClinGen allele CA16622002.